The following is an entry in ClinVar:

ClinVar aggregate classification (germline): Uncertain significance (1 of 4 stars; one submission).

Allele frequency attached by ClinVar (database versions not stated): TOPMed 0.00001; gnomAD 0.00001; gnomAD exomes 0.00001; ExAC 0.00003.
gnomAD v4.1: 15 of 1,611,056 alleles (0.00093%); highest among the groups gnomAD compares: South Asian, 0.0011%; no homozygotes.

Submission:

Labcorp Genetics (formerly Invitae), Labcorp
Classification: Uncertain significance. Last evaluated: 2022-10-10. Review status: criteria provided, single submitter. Criteria: Invitae Variant Classification Sherloc (09022015). Collection method: clinical testing. Allele origin: germline.
Comment: This sequence change replaces alanine, which is neutral and non-polar, with valine, which is neutral and non-polar, at codon 186 of the MRPL12 protein (p.Ala186Val). This variant is present in population databases (rs755025904, gnomAD 0.004%). In summary, the available evidence is currently insufficient to determine the role of this variant in disease. Therefore, it has been classified as a Variant of Uncertain Significance. Algorithms developed to predict the effect of missense changes on protein structure and function (SIFT, PolyPhen-2, Align-GVGD) all suggest that this variant is likely to be tolerated. This variant has not been reported in the literature in individuals affected with MRPL12-related conditions.

NM_002949.4(MRPL12):c.557C>T (p.Ala186Val)

Gene: MRPL12 (mitochondrial ribosomal protein L12; plus strand). Cytogenetic location: 17q25.3.
Variant type: single nucleotide variant.
Coding change: c.557C>T on transcript NM_002949.4 (MANE Select); coding-DNA position 557, C replaced by T.
Protein change: p.Ala186Val; replaces alanine 186 with valine.
Molecular consequence: missense variant.
Genome position (GRCh38, 1-based): chr17:81,707,200, C>T. VCF-style: chr17-81707200-C-T. GRCh37 (hg19) VCF-style: chr17-79674230-C-T.
Other names: short protein forms A186V.
Identifiers: ClinVar variation 2073205 (VCV002073205.4), dbSNP rs755025904, ClinGen allele CA8841433.